The following is an entry in ClinVar:

NM_002439.5(MSH3):c.452T>G (p.Val151Gly)

Gene: MSH3 (mutS homolog 3; plus strand). Cytogenetic location: 5q14.1.
Variant type: single nucleotide variant.
Coding change: c.452T>G on transcript NM_002439.5 (MANE Select); coding-DNA position 452, T replaced by G.
Protein change: p.Val151Gly; replaces valine 151 with glycine.
Molecular consequence: missense variant.
Genome position (GRCh38, 1-based): chr5:80,665,236, T>G. VCF-style: chr5-80665236-T-G. GRCh37 (hg19) VCF-style: chr5-79961055-T-G.
Other names: c.452T>G (NM_002439.3); short protein forms V151G.
Identifiers: ClinVar variation 1034796 (VCV001034796.9), dbSNP rs1749543098, ClinGen allele CA360263522.
Genomic context (GRCh38, chr5:80,665,236, plus strand): 5'-CAAAGTCTCTGGAAAAATTGAAAGAATTCTGCTGCGATTCTGCCCTTCCTCAAAGTAGAG[T>G]CCAGACAGAATCTCTGCAGGAGAGATTTGCAGTTCTGCCAAAATGTACTGATTTTGATGA-3'
Protein context (NP_002430.3, residues 141-161): CCDSALPQSR[Val151Gly]QTESLQERFA

ClinVar aggregate classification (germline): Uncertain significance. Review status: criteria provided, multiple submitters, no conflicts (2 of 4 stars). 2 submissions from 2 submitters: Uncertain significance (2). Last evaluated 2025-06-19.

Conditions:
Hereditary cancer-predisposing syndrome. Also called: Hereditary neoplastic syndrome; Neoplastic Syndromes, Hereditary; Tumor predisposition; Hereditary Cancer Syndrome. Identifiers: Orphanet 140162, MedGen C0027672, MeSH D009386, MONDO:0015356.

Submissions (2):

Labcorp Genetics (formerly Invitae), Labcorp
Classification: Uncertain significance. Last evaluated: 2025-06-19. Review status: criteria provided, single submitter. Criteria: Invitae Variant Classification Sherloc (09022015). Collection method: clinical testing. Allele origin: germline.
Comment: This sequence change replaces valine, which is neutral and non-polar, with glycine, which is neutral and non-polar, at codon 151 of the MSH3 protein (p.Val151Gly). This variant is not present in population databases (gnomAD no frequency). This variant has not been reported in the literature in individuals affected with MSH3-related conditions. ClinVar contains an entry for this variant (Variation ID: 1034796). An algorithm developed to predict the effect of missense changes on protein structure and function (PolyPhen-2) suggests that this variant is likely to be tolerated. In summary, the available evidence is currently insufficient to determine the role of this variant in disease. Therefore, it has been classified as a Variant of Uncertain Significance.

Ambry Genetics
Classification: Uncertain significance for Hereditary cancer-predisposing syndrome. Last evaluated: 2023-10-22. Review status: criteria provided, single submitter. Criteria: Ambry Variant Classification Scheme 2023. Collection method: clinical testing. Allele origin: germline.
Comment: The p.V151G variant (also known as c.452T>G), located in coding exon 3 of the MSH3 gene, results from a T to G substitution at nucleotide position 452. The valine at codon 151 is replaced by glycine, an amino acid with dissimilar properties. This amino acid position is conserved. In addition, this alteration is predicted to be tolerated by in silico analysis. Since supporting evidence is limited at this time, the clinical significance of this alteration remains unclear.